The following is an entry in ClinVar:

ClinVar aggregate classification (germline): Uncertain significance (1 of 4 stars; one submission).

Allele frequency attached by ClinVar (database versions not stated): TOPMed 0.00001; gnomAD 0.00003.
gnomAD v4.1: 9 of 1,614,016 alleles (0.00056%); highest among the groups gnomAD compares: Non-Finnish European, 0.00076%; no homozygotes.

Submission:

Labcorp Genetics (formerly Invitae), Labcorp
Classification: Uncertain significance. Last evaluated: 2022-02-02. Review status: criteria provided, single submitter. Criteria: Invitae Variant Classification Sherloc (09022015). Collection method: clinical testing. Allele origin: germline.
Comment: This sequence change replaces alanine, which is neutral and non-polar, with serine, which is neutral and polar, at codon 338 of the TULP1 protein (p.Ala338Ser). This variant is present in population databases (rs755646983, gnomAD 0.002%). This variant has not been reported in the literature in individuals affected with TULP1-related conditions. ClinVar contains an entry for this variant (Variation ID: 1016330). Algorithms developed to predict the effect of missense changes on protein structure and function are either unavailable or do not agree on the potential impact of this missense change (SIFT: "Not Available"; PolyPhen-2: "Possibly Damaging"; Align-GVGD: "Not Available"). In summary, the available evidence is currently insufficient to determine the role of this variant in disease. Therefore, it has been classified as a Variant of Uncertain Significance.

NM_003322.6(TULP1):c.1012G>T (p.Ala338Ser)

Gene: TULP1 (TUB like protein 1; minus strand). Cytogenetic location: 6p21.31.
Variant type: single nucleotide variant.
Coding change: c.1012G>T on transcript NM_003322.6 (MANE Select); coding-DNA position 1012, G replaced by T.
Protein change: p.Ala338Ser; replaces alanine 338 with serine.
Molecular consequence: missense variant.
Genome position (GRCh38, 1-based): chr6:35,505,841, C>A on the plus strand (G>T on the coding strand, the complement: TULP1 is on the minus strand). VCF-style: chr6-35505841-C-A. GRCh37 (hg19) VCF-style: chr6-35473618-C-A.
Other names: c.853G>T, p.Ala285Ser (NM_001289395.2); short protein forms A285S, A338S.
Identifiers: ClinVar variation 1016330 (VCV001016330.6), dbSNP rs755646983, ClinGen allele CA3772708.
Genomic context (GRCh38, chr6:35,505,841, plus strand): 5'-TGGTAGGGTCGATGGAGATGAGGTAATTGGCTGTCTTGCTCCGTTTTCGTTTCCTGCCAG[C>A]CAAGAGGAACACCTGGGGAAAAGGGGAGACAGGTGAGAGGATGGGAAGAGAAGGTGGGAA-3'
Protein context (NP_003313.3, residues 328-348): LDTEKKVFLL[Ala338Ser]GRKRKRSKTA